The following is an entry in ClinVar:

NM_002734.5(PRKAR1A):c.51A>T (p.Glu17Asp)

Gene: PRKAR1A (protein kinase cAMP-dependent type I regulatory subunit alpha; plus strand). Cytogenetic location: 17q24.2.
Variant type: single nucleotide variant.
Coding change: c.51A>T on transcript NM_002734.5 (MANE Select); coding-DNA position 51, A replaced by T.
Protein change: p.Glu17Asp; replaces glutamic acid 17 with aspartic acid.
Molecular consequence: missense variant.
Genome position (GRCh38, 1-based): chr17:68,515,450, A>T. VCF-style: chr17-68515450-A-T. GRCh37 (hg19) VCF-style: chr17-66511591-A-T.
Other names: c.51A>T, p.Glu17Asp (NM_001276290.1, NM_001278433.2, NM_001369389.1 and 4 more transcripts); short protein forms E17D.
Identifiers: ClinVar variation 825535 (VCV000825535.14), dbSNP rs771518581, ClinGen allele CA8729143.

ClinVar aggregate classification (germline): Uncertain significance. Review status: criteria provided, multiple submitters, no conflicts (2 of 4 stars). 3 submissions from 3 submitters: Uncertain significance (3). Last evaluated 2025-04-03.

Conditions:
Hereditary cancer-predisposing syndrome. Also called: Neoplastic Syndromes, Hereditary; Tumor predisposition; Hereditary neoplastic syndrome; Hereditary Cancer Syndrome. Identifiers: Orphanet 140162, MedGen C0027672, MeSH D009386, MONDO:0015356.
Carney complex, type 1 (CNC1). Also called: CARNEY MYXOMA-ENDOCRINE COMPLEX; CARNEY COMPLEX, TYPE I. Identifiers: Orphanet 1359, MedGen C2607929, MONDO:0008057, OMIM 160980.

Allele frequency attached by ClinVar (database versions not stated): TOPMed below 0.00001; gnomAD 0.00001; gnomAD exomes 0.00001; ExAC 0.00002.
gnomAD v4.1: 18 of 1,613,562 alleles (0.0011%); highest among the groups gnomAD compares: Non-Finnish European, 0.0014%; no homozygotes.

Submissions (3):

Ambry Genetics
Classification: Uncertain significance for Hereditary cancer-predisposing syndrome. Last evaluated: 2025-04-03. Review status: criteria provided, single submitter. Criteria: Ambry Variant Classification Scheme 2023. Collection method: clinical testing. Allele origin: germline.
Comment: The p.E17D variant (also known as c.51A>T), located in coding exon 1 of the PRKAR1A gene, results from an A to T substitution at nucleotide position 51. The glutamic acid at codon 17 is replaced by aspartic acid, an amino acid with highly similar properties. This amino acid position is highly conserved in available vertebrate species. In addition, the in silico prediction for this alteration is inconclusive. Since supporting evidence is limited at this time, the clinical significance of this alteration remains unclear.

Labcorp Genetics (formerly Invitae), Labcorp
Classification: Uncertain significance for Carney complex, type 1. Last evaluated: 2025-02-06. Review status: criteria provided, single submitter. Criteria: Invitae Variant Classification Sherloc (09022015). Collection method: clinical testing. Allele origin: germline.
Comment: This sequence change replaces glutamic acid, which is acidic and polar, with aspartic acid, which is acidic and polar, at codon 17 of the PRKAR1A protein (p.Glu17Asp). This variant is present in population databases (rs771518581, gnomAD 0.004%). This variant has not been reported in the literature in individuals affected with PRKAR1A-related conditions. ClinVar contains an entry for this variant (Variation ID: 825535). Invitae Evidence Modeling of protein sequence and biophysical properties (such as structural, functional, and spatial information, amino acid conservation, physicochemical variation, residue mobility, and thermodynamic stability) indicates that this missense variant is not expected to disrupt PRKAR1A protein function with a negative predictive value of 95%. In summary, the available evidence is currently insufficient to determine the role of this variant in disease. Therefore, it has been classified as a Variant of Uncertain Significance.

Women's Health and Genetics/Laboratory Corporation of America, LabCorp
Classification: Uncertain significance. Last evaluated: 2021-06-21. Review status: criteria provided, single submitter. Criteria: LabCorp Variant Classification Summary - May 2015. Collection method: clinical testing. Allele origin: germline.
Comment: Variant summary: PRKAR1A c.51A>T (p.Glu17Asp) results in a conservative amino acid change in the encoded protein sequence. Three of five in-silico tools predict a benign effect of the variant on protein function. The variant allele was found at a frequency of 1.2e-05 in 251456 control chromosomes. The available data on variant occurrences in the general population are insufficient to allow any conclusion about variant significance. To our knowledge, no occurrence of c.51A>T in individuals affected with Carney Complex and no experimental evidence demonstrating its impact on protein function have been reported. Two clinical diagnostic laboratories have submitted clinical-significance assessments for this variant to ClinVar after 2014 without evidence for independent evaluation. All laboratories classified the variant as uncertain significance. Based on the evidence outlined above, the variant was classified as uncertain significance.